The following is an entry in ClinVar:

NM_033026.6(PCLO):c.12110A>G (p.Asp4037Gly)

Gene: PCLO (piccolo presynaptic cytomatrix protein; minus strand). Cytogenetic location: 7q21.11.
Variant type: single nucleotide variant.
Coding change: c.12110A>G on transcript NM_033026.6 (MANE Select); coding-DNA position 12110, A replaced by G.
Protein change: p.Asp4037Gly; replaces aspartic acid 4037 with glycine.
Molecular consequence: missense variant.
Genome position (GRCh38, 1-based): chr7:82,915,876, T>C on the plus strand (A>G on the coding strand, the complement: PCLO is on the minus strand). VCF-style: chr7-82915876-T-C. GRCh37 (hg19) VCF-style: chr7-82545192-T-C.
Other names: c.12110A>G, p.Asp4037Gly (NM_014510.3); short protein forms D4037G.
Identifiers: ClinVar variation 1955037 (VCV001955037.5), dbSNP rs2535552019, ClinGen allele CA367890231.

ClinVar aggregate classification (germline): Uncertain significance (1 of 4 stars; one submission).

gnomAD v4.1: 2 of 1,613,648 alleles (0.00012%); highest among the groups gnomAD compares: African/African-American, 0.0013%; no homozygotes.

Submission:

Labcorp Genetics (formerly Invitae), Labcorp
Classification: Uncertain significance. Last evaluated: 2023-09-10. Review status: criteria provided, single submitter. Criteria: Invitae Variant Classification Sherloc (09022015). Collection method: clinical testing. Allele origin: germline.
Comment: This variant has not been reported in the literature in individuals affected with PCLO-related conditions. This variant is not present in population databases (gnomAD no frequency). This sequence change replaces aspartic acid, which is acidic and polar, with glycine, which is neutral and non-polar, at codon 4037 of the PCLO protein (p.Asp4037Gly). ClinVar contains an entry for this variant (Variation ID: 1955037). In summary, the available evidence is currently insufficient to determine the role of this variant in disease. Therefore, it has been classified as a Variant of Uncertain Significance. Algorithms developed to predict the effect of sequence changes on RNA splicing suggest that this variant may create or strengthen a splice site. Experimental studies and prediction algorithms are not available or were not evaluated, and the functional significance of this variant is currently unknown.